The following is an entry in ClinVar:

ClinVar aggregate classification (germline): Uncertain significance (1 of 4 stars; one submission).

Submission:

GeneDx
Classification: Uncertain significance. Last evaluated: 2022-12-21. Review status: criteria provided, single submitter. Criteria: GeneDx Variant Classification Process June 2021. Collection method: clinical testing. Allele origin: germline. Affected: yes.
Comment: Not observed at significant frequency in large population cohorts (gnomAD); In silico analysis supports that this missense variant has a deleterious effect on protein structure/function; Has not been previously published as pathogenic or benign to our knowledge

NM_003172.4(SURF1):c.684T>A (p.His228Gln)

Gene: SURF1 (SURF1 cytochrome c oxidase assembly factor; minus strand). Cytogenetic location: 9q34.2.
Variant type: single nucleotide variant.
Coding change: c.684T>A on transcript NM_003172.4 (MANE Select); coding-DNA position 684, T replaced by A.
Protein change: p.His228Gln; replaces histidine 228 with glutamine.
Molecular consequence: missense variant.
Genome position (GRCh38, 1-based): chr9:133,352,513, A>T on the plus strand (T>A on the coding strand, the complement: SURF1 is on the minus strand). VCF-style: chr9-133352513-A-T. GRCh37 (hg19) VCF-style: chr9-136219368-A-T.
Other names: c.357T>A, p.His119Gln (NM_001280787.1); short protein forms H119Q, H228Q.
Identifiers: ClinVar variation 2506599 (VCV002506599.1), dbSNP rs2490615990, ClinGen allele CA375693735.